The following is an entry in ClinVar:

ClinVar aggregate classification (germline): Likely benign (1 of 4 stars; one submission).

Allele frequency attached by ClinVar (database versions not stated): ExAC 0.00010; gnomAD exomes 0.00012; TOPMed 0.00012; ESP Exome Variant Server 0.00015; gnomAD 0.00015.
gnomAD v4.1: 193 of 1,610,388 alleles (0.012%); highest among the groups gnomAD compares: Non-Finnish European, 0.016%; no homozygotes.

Submission:

CeGaT Center for Human Genetics Tuebingen
Classification: Likely benign. Last evaluated: 2024-04-01. Review status: criteria provided, single submitter. Criteria: CeGaT Center For Human Genetics Tuebingen Variant Classification Criteria Version 2. Collection method: clinical testing. Allele origin: germline. Affected: yes. Observed: 1 variant allele.
Comment: LRP12: BP4, BP7

NM_013437.5(LRP12):c.519T>C (p.Cys173=)

Gene: LRP12 (LDL receptor related protein 12; minus strand). Cytogenetic location: 8q22.3.
Variant type: single nucleotide variant.
Coding change: c.519T>C on transcript NM_013437.5 (MANE Select); coding-DNA position 519, T replaced by C.
Protein change: p.Cys173=; no amino-acid change (cysteine 173 retained).
Molecular consequence: synonymous variant.
Genome position (GRCh38, 1-based): chr8:104,498,033, A>G on the plus strand (T>C on the coding strand, the complement: LRP12 is on the minus strand). VCF-style: chr8-104498033-A-G. GRCh37 (hg19) VCF-style: chr8-105510261-A-G.
Other names: c.462T>C, p.Cys154= (NM_001135703.3).
Identifiers: ClinVar variation 3234238 (VCV003234238.20), dbSNP rs149858288, ClinGen allele CA4839093.